The following is an entry in ClinVar:

NM_001080449.3(DNA2):c.2703A>C (p.Pro901=)

Gene: DNA2 (DNA replication helicase/nuclease 2; minus strand). Cytogenetic location: 10q21.3.
Variant type: single nucleotide variant.
Coding change: c.2703A>C on transcript NM_001080449.3 (MANE Select); coding-DNA position 2703, A replaced by C.
Protein change: p.Pro901=; no amino-acid change (proline 901 retained).
Molecular consequence: synonymous variant. On other transcripts: non-coding transcript variant (1).
Genome position (GRCh38, 1-based): chr10:68,419,887, T>G on the plus strand (A>C on the coding strand, the complement: DNA2 is on the minus strand). VCF-style: chr10-68419887-T-G. GRCh37 (hg19) VCF-style: chr10-70179644-T-G.
Identifiers: ClinVar variation 4976274 (VCV004976274.1).
Genomic context (GRCh38, chr10:68,419,887, plus strand): 5'-AACTATGAGTTTGGCTTCTGTTACATTGCTCACACCACCTTTTTCAACTTGTTCTGGCGC[T>G]GGAACCTAAGTGGAAAAATATACAGCCTGCTGATAATACAATCTCTAAAGAGTACTATAA-3'
Protein context (NP_001073918.2, residues 891-911): PVCFLNTDKV[Pro901=]APEQVEKGGV

ClinVar aggregate classification (germline): Uncertain significance (1 of 4 stars; one submission).

Submission:

GeneDx
Classification: Uncertain significance. Last evaluated: 2026-02-09. Review status: criteria provided, single submitter. Criteria: GeneDx Variant Classification Process June 2021. Collection method: clinical testing. Allele origin: germline.
Comment: Has not been previously published as pathogenic or benign to our knowledge; Not observed at significant frequency in large population cohorts (gnomAD); In silico analysis suggests that this variant does not alter splicing